The following is an entry in ClinVar:

NM_001008537.3(NEXMIF):c.2579A>G (p.Asp860Gly)

Gene: NEXMIF (neurite extension and migration factor; minus strand). Cytogenetic location: Xq13.3.
Variant type: single nucleotide variant.
Coding change: c.2579A>G on transcript NM_001008537.3 (MANE Select); coding-DNA position 2579, A replaced by G.
Protein change: p.Asp860Gly; replaces aspartic acid 860 with glycine.
Molecular consequence: missense variant.
Genome position (GRCh38, 1-based): chrX:74,741,978, T>C on the plus strand (A>G on the coding strand, the complement: NEXMIF is on the minus strand). VCF-style: chrX-74741978-T-C. GRCh37 (hg19) VCF-style: chrX-73961813-T-C.
Other names: short protein forms D860G.
Identifiers: ClinVar variation 3769770 (VCV003769770.1).

ClinVar aggregate classification (germline): Uncertain significance (1 of 4 stars; one submission).

Submission:

GeneDx
Classification: Uncertain significance. Last evaluated: 2024-09-17. Review status: criteria provided, single submitter. Criteria: GeneDx Variant Classification Process June 2021. Collection method: clinical testing. Allele origin: germline. Affected: yes.
Comment: Not observed at significant frequency in large population cohorts (gnomAD); In silico analysis indicates that this missense variant does not alter protein structure/function; Has not been previously published as pathogenic or benign to our knowledge